The following is an entry in ClinVar:

NM_001903.5(CTNNA1):c.555T>C (p.Asp185=)

Gene: CTNNA1 (catenin alpha 1; plus strand). Cytogenetic location: 5q31.2.
Variant type: single nucleotide variant.
Coding change: c.555T>C on transcript NM_001903.5 (MANE Select); coding-DNA position 555, T replaced by C.
Protein change: p.Asp185=; no amino-acid change (aspartic acid 185 retained).
Molecular consequence: synonymous variant.
Genome position (GRCh38, 1-based): chr5:138,812,269, T>C. VCF-style: chr5-138812269-T-C. GRCh37 (hg19) VCF-style: chr5-138147958-T-C.
Other names: c.555T>C, p.Asp185= (NM_001290307.3, NM_001323982.2, NM_001323983.1 and 3 more transcripts); c.246T>C, p.Asp82= (NM_001290309.3); c.186T>C, p.Asp62= (NM_001290310.3); c.555T>C (NM_001903.2).
Identifiers: ClinVar variation 757084 (VCV000757084.13), dbSNP rs753657419, ClinGen allele CA3431477.

ClinVar aggregate classification (germline): Benign/Likely benign. Review status: criteria provided, multiple submitters, no conflicts (2 of 4 stars). 3 submissions from 3 submitters: Benign (1); Likely benign (2). Last evaluated 2024-10-10.

Conditions:
Hereditary cancer-predisposing syndrome. Also called: Tumor predisposition; Hereditary Cancer Syndrome; Neoplastic Syndromes, Hereditary; Hereditary neoplastic syndrome. Identifiers: Orphanet 140162, MedGen C0027672, MeSH D009386, MONDO:0015356.
Hereditary diffuse gastric adenocarcinoma (HDGC). Also called: DIFFUSE GASTRIC AND LOBULAR BREAST CANCER SYNDROME. Identifiers: Orphanet 26106, MedGen C1708349, MONDO:0007648, OMIM 137215.

Allele frequency attached by ClinVar (database versions not stated): gnomAD exomes below 0.00001 and 0.00001; ExAC 0.00001.
gnomAD v4.1: 2 of 1,613,898 alleles (0.00012%); highest among the groups gnomAD compares: Non-Finnish European, 0.00017%; no homozygotes.

Submissions (3):

Myriad Genetics, Inc.
Classification: Benign for Hereditary diffuse gastric adenocarcinoma. Last evaluated: 2024-10-10. Review status: criteria provided, single submitter. Criteria: Myriad Autosomal Dominant, Autosomal Recessive and X-Linked Classification Criteria (2023). Collection method: clinical testing. Allele origin: unknown.
Comment: This variant is considered benign. This variant is a silent/synonymous amino acid change and it is not expected to impact splicing.

Labcorp Genetics (formerly Invitae), Labcorp
Classification: Likely benign. Last evaluated: 2023-12-30. Review status: criteria provided, single submitter. Criteria: Invitae Variant Classification Sherloc (09022015). Collection method: clinical testing. Allele origin: germline.

Ambry Genetics
Classification: Likely benign for Hereditary cancer-predisposing syndrome. Last evaluated: 2023-06-08. Review status: criteria provided, single submitter. Criteria: Ambry Variant Classification Scheme 2023. Collection method: clinical testing. Allele origin: germline.